The following is an entry in ClinVar:

NM_001370259.2(MEN1):c.1643_1721delinsTG (p.Gly548fs)

Gene: MEN1 (menin 1; minus strand). Cytogenetic location: 11q13.1.
Variant type: Indel.
Coding change: c.1643_1721delinsTG on transcript NM_001370259.2 (MANE Select); coding-DNA positions 1643 to 1721, the reference bases replaced by TG.
Protein change: p.Gly548fs; shifts the reading frame from glycine 548.
Molecular consequence: frameshift variant.
Genome position (GRCh38, 1-based): chr11:64,804,446-64,804,524, 79 bases replaced. GRCh37 (hg19): chr11:64,571,918-64,571,996.
Other names: c.1643_1721del79insTG (NM_130799.2); c.1658_1736delinsTG, p.Gly553fs (NM_000244.4, NM_130800.3, NM_130801.3 and 3 more transcripts); c.1769_1847delinsTG, p.Gly590fs (NM_001370251.2); c.1643_1721delinsTG, p.Gly548fs (NM_001370260.2, NM_001370261.2, NM_130799.3); c.1538_1616delinsTG, p.Gly513fs (NM_001370262.2, NM_001370263.2); short protein forms G513fs, G548fs, G553fs, G590fs.
Identifiers: ClinVar variation 428067 (VCV000428067.6), dbSNP rs1555163136, ClinGen allele CA645369564.

ClinVar aggregate classification (germline): Pathogenic (1 of 4 stars; one submission).

Conditions:
Hereditary cancer-predisposing syndrome. Also called: Hereditary Cancer Syndrome; Neoplastic Syndromes, Hereditary; Hereditary neoplastic syndrome; Tumor predisposition. Identifiers: Orphanet 140162, MedGen C0027672, MeSH D009386, MONDO:0015356.

Submission:

Ambry Genetics
Classification: Pathogenic for Hereditary cancer-predisposing syndrome. Last evaluated: 2018-12-06. Review status: criteria provided, single submitter. Criteria: Ambry Variant Classification Scheme 2023. Collection method: clinical testing. Allele origin: germline.
Comment: The c.1643_1721del79insTG pathogenic mutation, located in coding exon 9 of the MEN1 gene, results from the deletion of 79 nucleotides and insertion of two nucleotides causing a translational frameshift with a predicted alternate stop codon (p.G548Vfs*23). This alteration is expected to result in loss of function by premature protein truncation. As such, this alteration is interpreted as a disease-causing mutation.